The following is an entry in ClinVar:

NM_001734.5(C1S):c.1934C>A (p.Thr645Asn)

Gene: C1S (complement C1s; plus strand). Cytogenetic location: 12p13.31.
Variant type: single nucleotide variant.
Coding change: c.1934C>A on transcript NM_001734.5 (MANE Select); coding-DNA position 1934, C replaced by A.
Protein change: p.Thr645Asn; replaces threonine 645 with asparagine.
Molecular consequence: missense variant.
Genome position (GRCh38, 1-based): chr12:7,070,518, C>A. VCF-style: chr12-7070518-C-A. GRCh37 (hg19) VCF-style: chr12-7177822-C-A.
Other names: c.1433C>A, p.Thr478Asn (NM_001346850.2); c.1934C>A, p.Thr645Asn (NM_201442.4); short protein forms T645N, T478N.
Identifiers: ClinVar variation 2828560 (VCV002828560.3), dbSNP rs2539609243, ClinGen allele CA383708352.

ClinVar aggregate classification (germline): Uncertain significance (1 of 4 stars; one submission).

Submission:

Labcorp Genetics (formerly Invitae), Labcorp
Classification: Uncertain significance. Last evaluated: 2023-01-14. Review status: criteria provided, single submitter. Criteria: Invitae Variant Classification Sherloc (09022015). Collection method: clinical testing. Allele origin: germline.
Comment: In summary, the available evidence is currently insufficient to determine the role of this variant in disease. Therefore, it has been classified as a Variant of Uncertain Significance. Advanced modeling of protein sequence and biophysical properties (such as structural, functional, and spatial information, amino acid conservation, physicochemical variation, residue mobility, and thermodynamic stability) performed at Invitae indicates that this missense variant is not expected to disrupt C1S protein function. This variant has not been reported in the literature in individuals affected with C1S-related conditions. This variant is not present in population databases (gnomAD no frequency). This sequence change replaces threonine, which is neutral and polar, with asparagine, which is neutral and polar, at codon 645 of the C1S protein (p.Thr645Asn).